The following is an entry in ClinVar:

NM_002666.5(PLIN1):c.451G>A (p.Glu151Lys)

Gene: PLIN1 (perilipin 1; minus strand). Cytogenetic location: 15q26.1.
Variant type: single nucleotide variant.
Coding change: c.451G>A on transcript NM_002666.5 (MANE Select); coding-DNA position 451, G replaced by A.
Protein change: p.Glu151Lys; replaces glutamic acid 151 with lysine.
Molecular consequence: missense variant.
Genome position (GRCh38, 1-based): chr15:89,670,127, C>T on the plus strand (G>A on the coding strand, the complement: PLIN1 is on the minus strand). VCF-style: chr15-89670127-C-T. GRCh37 (hg19) VCF-style: chr15-90213358-C-T.
Other names: c.451G>A, p.Glu151Lys (NM_001145311.2); short protein forms E151K.
Identifiers: ClinVar variation 2210390 (VCV002210390.3), dbSNP rs758850408, ClinGen allele CA274592278.

ClinVar aggregate classification (germline): Uncertain significance. Review status: criteria provided, multiple submitters, no conflicts (2 of 4 stars). 2 submissions from 2 submitters: Uncertain significance (2). Last evaluated 2022-11-01.

Conditions:
PLIN1-related disorder. Also called: PLIN1-related condition.

Allele frequency attached by ClinVar (database versions not stated): TOPMed below 0.00001.
gnomAD v4.1: 21 of 1,614,190 alleles (0.0013%); highest among the groups gnomAD compares: Non-Finnish European, 0.0016%; no homozygotes.

Submissions (2):

Ambry Genetics
Classification: Uncertain significance. Last evaluated: 2022-11-01. Review status: criteria provided, single submitter. Criteria: Ambry Variant Classification Scheme 2023. Collection method: clinical testing. Allele origin: germline.

PreventionGenetics, part of Exact Sciences
Classification: Uncertain significance for PLIN1-related condition. Last evaluated: 2022-10-21. Review status: criteria provided, single submitter. Criteria: ACMG Guidelines, 2015. Collection method: clinical testing. Allele origin: germline.
Comment: The PLIN1 c.451G>A variant is predicted to result in the amino acid substitution p.Glu151Lys. To our knowledge, this variant has not been reported in the literature or in a large population database, indicating this variant is rare. At this time, the clinical significance of this variant is uncertain due to the absence of conclusive functional and genetic evidence.